The following is an entry in ClinVar:

NM_020778.5(ALPK3):c.1750A>G (p.Ile584Val)

Gene: ALPK3 (alpha kinase 3; plus strand). Cytogenetic location: 15q25.3.
Variant type: single nucleotide variant.
Coding change: c.1750A>G on transcript NM_020778.5 (MANE Select); coding-DNA position 1750, A replaced by G.
Protein change: p.Ile584Val; replaces isoleucine 584 with valine.
Molecular consequence: missense variant.
Genome position (GRCh38, 1-based): chr15:84,856,488, A>G. VCF-style: chr15-84856488-A-G. GRCh37 (hg19) VCF-style: chr15-85399719-A-G.
Other names: short protein forms I584V.
Identifiers: ClinVar variation 1790073 (VCV001790073.6), dbSNP rs1407685117, ClinGen allele CA393354471.

ClinVar aggregate classification (germline): Conflicting classifications of pathogenicity. Review status: criteria provided, conflicting classifications (1 of 4 stars). 3 submissions from 3 submitters: Uncertain significance (1); Likely benign (2). Last evaluated 2023-02-15.

Conditions:
Cardiovascular phenotype. Identifiers: MedGen CN230736.

Allele frequency attached by ClinVar (database versions not stated): TOPMed 0.00001.

Submissions (3):

Blueprint Genetics
Classification: Likely benign. Last evaluated: 2023-02-15. Review status: criteria provided, single submitter. Criteria: ACMG Guidelines, 2015. Collection method: clinical testing. Allele origin: germline.

Labcorp Genetics (formerly Invitae), Labcorp
Classification: Uncertain significance. Last evaluated: 2023-01-17. Review status: criteria provided, single submitter. Criteria: Invitae Variant Classification Sherloc (09022015). Collection method: clinical testing. Allele origin: germline.
Comment: In summary, the available evidence is currently insufficient to determine the role of this variant in disease. Therefore, it has been classified as a Variant of Uncertain Significance. Algorithms developed to predict the effect of sequence changes on RNA splicing suggest that this variant may disrupt the consensus splice site. Algorithms developed to predict the effect of missense changes on protein structure and function output the following: SIFT: "Tolerated"; PolyPhen-2: "Benign"; Align-GVGD: "Class C0". The valine amino acid residue is found in multiple mammalian species, which suggests that this missense change does not adversely affect protein function. ClinVar contains an entry for this variant (Variation ID: 1790073). This variant has not been reported in the literature in individuals affected with ALPK3-related conditions. This variant is not present in population databases (gnomAD no frequency). This sequence change replaces isoleucine, which is neutral and non-polar, with valine, which is neutral and non-polar, at codon 786 of the ALPK3 protein (p.Ile786Val).

Ambry Genetics
Classification: Likely benign for Cardiovascular phenotype. Last evaluated: 2021-07-22. Review status: criteria provided, single submitter. Criteria: Ambry Variant Classification Scheme 2023. Collection method: clinical testing. Allele origin: germline.